The following is an entry in ClinVar:

NM_001009944.3(PKD1):c.5968_5969del (p.Arg1990fs)

Gene: PKD1 (polycystin 1, transient receptor potential channel interacting; minus strand). Cytogenetic location: 16p13.3.
Variant type: Microsatellite.
Coding change: c.5968_5969del on transcript NM_001009944.3 (MANE Select); coding-DNA positions 5968 to 5969, 2 bases deleted (AG; older notation c.5968_5969delAG).
Protein change: p.Arg1990fs; shifts the reading frame from arginine 1990.
Molecular consequence: frameshift variant.
Genome position (GRCh38, 1-based): chr16:2,109,198-2,109,199, CT deleted on the plus strand (AG on the coding strand, the reverse complement: PKD1 is on the minus strand); deleting any 2 consecutive bases within chr16:2,109,198-2,109,202 gives the same sequence; the c. name uses the placement nearest the transcript's 3' end. VCF-style (leftmost placement, unchanged base first): chr16-2109197-CCT-C. GRCh37 (hg19) VCF-style: chr16-2159198-CCT-C.
Other names: p.Arg1990Glufs*59; c.5968_5969delAG (NM_001009944.2); c.5968_5969del, p.Arg1990fs (NM_000296.4); short protein forms R1990fs.
Identifiers: ClinVar variation 1179125 (VCV001179125.13), dbSNP rs2151790499, ClinGen allele CA2580613391.
Genomic context (GRCh38, chr16:2,109,197, plus strand): 5'-CAGCGAGAAGTACCAGGCGTAGGCGACCCGAGAGCCGCGCTGCACGCGGGCTGTGAAGTT[CCT>C]CTCAGTGCCCGTGGCGATGCCAGGCTCGCAGCAGTTGGGCACCTGCAGCCCACTCACGGC-3'

ClinVar aggregate classification (germline): Pathogenic. Review status: criteria provided, multiple submitters, no conflicts (2 of 4 stars). 7 submissions from 7 submitters: Pathogenic (7). Last evaluated 2026-05-29.

Conditions:
Polycystic kidney disease, adult type (PKD1). Also called: Polycystic Kidney Disease 1, Autosomal Dominant; Polycystic kidney disease 1; Polycystic kidney disease 1, severe; Polycystic Kidney, Autosomal Dominant; POLYCYSTIC KIDNEY DISEASE 1 WITH OR WITHOUT POLYCYSTIC LIVER DISEASE; POLYCYSTIC KIDNEY DISEASE, ADULT, TYPE I. Identifiers: MedGen C3149841, MONDO:0008263, OMIM 173900.
PKD1-related disorder. Also called: PKD1-related condition.

Submissions (7):

PreventionGenetics, part of Exact Sciences
Classification: Pathogenic for PKD1-related condition. Last evaluated: 2026-05-29. Review status: criteria provided, single submitter. Criteria: ACMG Guidelines, 2015. Collection method: clinical testing. Allele origin: germline.
Comment: The PKD1 c.5968_5969delAG variant is predicted to result in a frameshift and premature protein termination (p.Arg1990Glufs*59). This variant was reported in an individual with autosomal dominant polycystic kidney disease (ADPKD) (Table S4, Audrézet et al. 2012. PubMed ID: 22508176). This variant has not been reported in a large population database (gnomAD), indicating this variant is rare. Frameshift variants in PKD1 are expected to be pathogenic. This variant is interpreted as pathogenic.

Victorian Clinical Genetics Services, Murdoch Childrens Research Institute
Classification: Pathogenic for Polycystic kidney disease, adult type. Last evaluated: 2026-02-05. Review status: criteria provided, single submitter. Criteria: ACMG Guidelines, 2015. Collection method: clinical testing. Allele origin: germline. Affected: yes.
Comment: This variant is classified as Pathogenic. Evidence in support of pathogenic classification: Variant is predicted to cause nonsense-mediated decay (NMD) and loss of protein (premature termination codon is located at least 54 nucleotides upstream of the final exon-exon junction); Variant is absent from gnomAD (v2, v3 and v4); This variant has strong previous evidence of pathogenicity in unrelated individuals. This variant has been classified as pathogenic by clinical laboratories in ClinVar; Other NMD-predicted variant(s) comparable to the one identified in this case have very strong previous evidence for pathogenicity (DECIPHER). Additional information: This variant is heterozygous; This gene is associated with autosomal dominant disease. Polycystic kidney disease 1 (MIM#173900) is predominantly caused by monoallelic variants, with rare reports of biallelic variants causing disease (OMIM); Loss of function is a known mechanism of disease in this gene and is associated with polycystic kidney disease 1 (MIM#173900); Inheritance information for this variant is not currently available in this individual.

Laboratory of Genetics, Children's Clinical University Hospital Latvia
Classification: Pathogenic. Last evaluated: 2025-02-16. Review status: criteria provided, single submitter. Criteria: ACMG Guidelines, 2015. Collection method: clinical testing. Allele origin: germline. Affected: yes.

Fulgent Genetics
Classification: Pathogenic for Polycystic kidney disease, adult type. Last evaluated: 2024-03-07. Review status: criteria provided, single submitter. Criteria: ACMG Guidelines, 2015. Collection method: clinical testing. Allele origin: germline.

Mayo Clinic Laboratories, Mayo Clinic
Classification: Pathogenic. Last evaluated: 2023-10-05. Review status: criteria provided, single submitter. Criteria: ACMG Guidelines, 2015. Collection method: clinical testing. Allele origin: germline. Observed: 2 variant alleles.
Comment: PM2, PS4_moderate, PVS1

Blueprint Genetics
Classification: Pathogenic for PKD1-related disorders. Last evaluated: 2022-10-02. Review status: criteria provided, single submitter. Criteria: ACMG Guidelines, 2015. Collection method: clinical testing. Allele origin: germline. Affected: yes. Observed: 1 variant allele.

Department of Pathology and Laboratory Medicine, Sinai Health System
Classification: Pathogenic for Polycystic kidney disease, adult type. Last evaluated: 2019-10-01. Review status: criteria provided, single submitter. Criteria: ACMG Guidelines, 2015. Collection method: clinical testing. Allele origin: germline. Affected: yes.

Literature cited by the submitters: PubMed 22508176 (cited by Mayo Clinic Laboratories, Mayo Clinic); PubMed 26046366 (cited by Mayo Clinic Laboratories, Mayo Clinic); PubMed 34746741 (cited by Mayo Clinic Laboratories, Mayo Clinic).